The following is an entry in ClinVar:

ClinVar aggregate classification (germline): Likely benign. Review status: reviewed by expert panel (3 of 4 stars). 4 submissions from 4 submitters: Likely benign (1). 3 of the submissions do not count toward it. Last evaluated 2017-06-29.

Conditions:
Hereditary breast ovarian cancer syndrome. Also called: Hereditary breast and ovarian cancer; Hereditary breast and ovarian cancer syndrome; Breast and ovarian cancer; Hereditary breast and ovarian cancer syndrome (HBOC); Hereditary breast and/or ovarian cancer syndrome; BRCA1- and BRCA2-Associated Hereditary Breast and Ovarian Cancer. Identifiers: Orphanet 145, MedGen C0677776, MeSH D061325, MONDO:0003582. Disease mechanism: loss of function.
Hereditary cancer-predisposing syndrome. Also called: Hereditary Cancer Syndrome; Neoplastic Syndromes, Hereditary; Tumor predisposition; Hereditary neoplastic syndrome. Identifiers: Orphanet 140162, MedGen C0027672, MeSH D009386, MONDO:0015356.
Breast-ovarian cancer, familial, susceptibility to, 2 (BROVCA2). Also called: BRCA2 Hereditary Breast and Ovarian Cancer. Identifiers: Orphanet 145, MedGen C2675520, MONDO:0012933, OMIM 612555. Disease mechanism: loss of function.

Submissions (4):

Evidence-based Network for the Interpretation of Germline Mutant Alleles (ENIGMA)
Classification: Likely benign for Breast-ovarian cancer, familial, susceptibility to, 2. Last evaluated: 2017-06-29. Review status: reviewed by expert panel. Criteria: ENIGMA BRCA1/2 Classification Criteria (2017-06-29). Collection method: curation. Allele origin: germline.
Comment: Synonymous substitution variant, with low bioinformatic likelihood to result in a splicing aberration (Splicing prior probability 0.02).

Quest Diagnostics Nichols Institute San Juan Capistrano
Classification: Likely benign. Last evaluated: 2025-05-30. Review status: criteria provided, single submitter. Criteria: Quest Diagnostics criteria. Collection method: clinical testing. Allele origin: unknown. Not counted in ClinVar's aggregate classification.

Labcorp Genetics (formerly Invitae), Labcorp
Classification: Likely benign for Hereditary breast ovarian cancer syndrome. Last evaluated: 2023-04-22. Review status: criteria provided, single submitter. Criteria: Invitae Variant Classification Sherloc (09022015). Collection method: clinical testing. Allele origin: germline. Not counted in ClinVar's aggregate classification.

Ambry Genetics
Classification: Likely benign for Hereditary cancer-predisposing syndrome. Last evaluated: 2014-08-12. Review status: criteria provided, single submitter. Criteria: Ambry Variant Classification Scheme 2023. Collection method: clinical testing. Allele origin: germline. Not counted in ClinVar's aggregate classification.

NM_000059.4(BRCA2):c.756C>T (p.Asp252=)

Gene: BRCA2 (BRCA2 DNA repair associated; plus strand). Cytogenetic location: 13q13.1.
Variant type: single nucleotide variant.
Coding change: c.756C>T on transcript NM_000059.4 (MANE Select); coding-DNA position 756, C replaced by T.
Protein change: p.Asp252=; no amino-acid change (aspartic acid 252 retained).
Molecular consequence: synonymous variant.
Genome position (GRCh38, 1-based): chr13:32,330,993, C>T. VCF-style: chr13-32330993-C-T. GRCh37 (hg19) VCF-style: chr13-32905130-C-T.
Identifiers: ClinVar variation 185997 (VCV000185997.16), dbSNP rs786202619, ClinGen allele CA025159.